The following is an entry in ClinVar:

ClinVar aggregate classification (germline): Uncertain significance (1 of 4 stars; one submission).

Submission:

Labcorp Genetics (formerly Invitae), Labcorp
Classification: Uncertain significance. Last evaluated: 2024-05-31. Review status: criteria provided, single submitter. Criteria: Invitae Variant Classification Sherloc (09022015). Collection method: clinical testing. Allele origin: germline.
Comment: This sequence change replaces cysteine, which is neutral and slightly polar, with tyrosine, which is neutral and polar, at codon 1309 of the ERBIN protein (p.Cys1309Tyr). This variant is not present in population databases (gnomAD no frequency). This variant has not been reported in the literature in individuals affected with ERBIN-related conditions. An algorithm developed to predict the effect of missense changes on protein structure and function (PolyPhen-2) suggests that this variant is likely to be tolerated. In summary, the available evidence is currently insufficient to determine the role of this variant in disease. Therefore, it has been classified as a Variant of Uncertain Significance.

NM_001253697.2(ERBIN):c.3926G>A (p.Cys1309Tyr)

Gene: ERBIN (erbb2 interacting protein; plus strand). Cytogenetic location: 5q12.3.
Variant type: single nucleotide variant.
Coding change: c.3926G>A on transcript NM_001253697.2 (MANE Select); coding-DNA position 3926, G replaced by A.
Protein change: p.Cys1309Tyr; replaces cysteine 1309 with tyrosine.
Molecular consequence: missense variant. On other transcripts: intron variant (1).
Genome position (GRCh38, 1-based): chr5:66,075,193, G>A. VCF-style: chr5-66075193-G-A. GRCh37 (hg19) VCF-style: chr5-65371021-G-A.
Other names: c.3803G>A, p.Cys1268Tyr (NM_001253698.2, NM_018695.4); c.3947G>A, p.Cys1316Tyr (NM_001253699.2); c.3791G>A, p.Cys1264Tyr (NM_001253701.2); c.3634-1123G>A (NM_001006600.3); short protein forms C1316Y, C1309Y, C1264Y, C1268Y.
Identifiers: ClinVar variation 3674277 (VCV003674277.2).